The following is an entry in ClinVar:

ClinVar aggregate classification (germline): Conflicting classifications of pathogenicity. Review status: criteria provided, conflicting classifications (1 of 4 stars). 5 submissions from 5 submitters: Uncertain significance (4); Likely benign (1). Last evaluated 2026-02-11.

Conditions:
Colorectal cancer, susceptibility to, 12 (CRCS12). Also called: COLORECTAL CANCER, SUSCEPTIBILITY TO, ON CHROMOSOME 12q24. Identifiers: Orphanet 220460, MedGen C3554460, MONDO:0014038, OMIM 615083.

Allele frequency attached by ClinVar (database versions not stated): gnomAD exomes 0.00001 and 0.00004; ExAC 0.00002; gnomAD 0.00005 and 0.00006; TOPMed 0.00008.
gnomAD v4.1: 31 of 1,613,184 alleles (0.0019%); highest among the groups gnomAD compares: Admixed American, 0.0067%; no homozygotes.

Submissions (5):

St. Jude Molecular Pathology, St. Jude Children's Research Hospital
Classification: Uncertain significance for Colorectal cancer, susceptibility to, 12. Last evaluated: 2026-02-11. Review status: criteria provided, single submitter. Criteria: St. Jude Assertion Criteria 2020. Collection method: clinical testing. Allele origin: germline.
Comment: The POLE c.5553-12C>G intronic change results in a C to G substitution at the -12 position of intron 40 of the POLE gene. Algorithms that predict the impact of sequence changes on splicing indicate that this change may impact splicing but to our knowledge these predictions have not been confirmed by RNA studies. This variant has a maximum subpopulation frequency of 0.008% in gnomAD v2.1.1. To our knowledge, this variant has not been reported in the literature in individuals with POLE-related disease. In summary, the evidence currently available is insufficient to determine the clinical significance of this variant. It has therefore been classified as of uncertain significance.

Labcorp Genetics (formerly Invitae), Labcorp
Classification: Likely benign. Last evaluated: 2026-01-18. Review status: criteria provided, single submitter. Criteria: Invitae Variant Classification Sherloc (09022015). Collection method: clinical testing. Allele origin: germline.

Blueprint Genetics
Classification: Uncertain significance. Last evaluated: 2024-11-19. Review status: criteria provided, single submitter. Criteria: ACMG Guidelines, 2015. Collection method: clinical testing. Allele origin: germline.

GeneDx
Classification: Uncertain significance. Last evaluated: 2024-02-27. Review status: criteria provided, single submitter. Criteria: GeneDx Variant Classification Process June 2021. Collection method: clinical testing. Allele origin: germline. Affected: yes.
Comment: In silico analysis supports a deleterious effect on splicing; Has not been previously published as pathogenic or benign to our knowledge

ARUP Laboratories, Molecular Genetics and Genomics, ARUP Laboratories
Classification: Uncertain significance. Last evaluated: 2023-01-06. Review status: criteria provided, single submitter. Criteria: ARUP Molecular Germline Variant Investigation Process 2024. Collection method: clinical testing. Allele origin: germline.
Comment: The POLE c.5553-12C>G variant (rs766922669), to our knowledge, is not reported in the medical literature but is reported in ClinVar (Variation ID: 246317). This variant is found in the general population with an overall allele frequency of 0.004% (10/250,840 alleles) in the Genome Aggregation Database. This is an intronic variant in a weakly conserved nucleotide, but computational analyses (Alamut Visual Plus v.1.5.1) predict that this variant may impact splicing by weakening the nearby canonical acceptor splice site. However, the established disease mechanism in POLE involves missense variants in the exonuclease domain (Palles 2013), and gene-disease association has not been established for variants outside of the exonuclease domain (Seifert 2019). Due to limited information, the clinical significance of this variant is uncertain at this time. References: Palles C et al. Germline mutations affecting the proofreading domains of POLE and POLD1 predispose to colorectal adenomas and carcinomas. Nat Genet. 2013 Feb;45(2):136-44. PMID: 23263490. Seifert BA et al. Determining the clinical validity of hereditary colorectal cancer and polyposis susceptibility genes using the Clinical Genome Resource Clinical Validity Framework. Genet Med. 2019 Jul;21(7):1507-1516. PMID: 30523343.

NM_006231.4(POLE):c.5553-12C>G

Gene: POLE (DNA polymerase epsilon, catalytic subunit; minus strand). Cytogenetic location: 12q24.33.
Variant type: single nucleotide variant.
Coding change: c.5553-12C>G on transcript NM_006231.4 (MANE Select); 12 bases into the intron before coding-DNA position 5553, C replaced by G.
Molecular consequence: intron variant.
Genome position (GRCh38, 1-based): chr12:132,638,151, G>C on the plus strand (C>G on the coding strand, the complement: POLE is on the minus strand). VCF-style: chr12-132638151-G-C. GRCh37 (hg19) VCF-style: chr12-133214737-G-C.
Identifiers: ClinVar variation 246317 (VCV000246317.16), dbSNP rs766922669, ClinGen allele CA6892472.